The following is an entry in ClinVar:

ClinVar aggregate classification (germline): Pathogenic (1 of 4 stars; one submission).

Submission:

GeneDx
Classification: Pathogenic. Last evaluated: 2016-11-25. Review status: criteria provided, single submitter. Criteria: GeneDx Variant Classification (06012015). Collection method: clinical testing. Allele origin: germline. Affected: yes.
Comment: The G257X variant in the ARID1B gene has not been reported previously as a pathogenic variant nor as a benign variant, to our knowledge. This variant is predicted to cause loss of normal protein function either through protein truncation or nonsense-mediated mRNA decay. The G257X variant is not observed in large population cohorts (Lek et al., 2016; McVean et al., 2012; Exome Variant Server). We interpret G257X as a pathogenic variant.

NM_001374828.1(ARID1B):c.1018G>T (p.Gly340Ter)

Gene: ARID1B (AT-rich interaction domain 1B; plus strand). Cytogenetic location: 6q25.3.
Variant type: single nucleotide variant.
Coding change: c.1018G>T on transcript NM_001374828.1 (MANE Select); coding-DNA position 1018, G replaced by T.
Protein change: p.Gly340Ter; replaces glycine 340 with a stop codon.
Molecular consequence: nonsense.
Genome position (GRCh38, 1-based): chr6:156,778,698, G>T. VCF-style: chr6-156778698-G-T. GRCh37 (hg19) VCF-style: chr6-157099832-G-T.
Other names: c.769G>T, p.Gly257Ter (NM_020732.3); c.1018G>T, p.Gly340Ter (NM_001371656.1, NM_001374820.1, NM_017519.3); short protein forms G257*, G340*.
Identifiers: ClinVar variation 373155 (VCV000373155.2), dbSNP rs1057518256, ClinGen allele CA16042552.